The following is an entry in ClinVar:

NM_177438.3(DICER1):c.1260_1262del (p.Glu420del)

Gene: DICER1 (dicer 1, ribonuclease III; minus strand). Cytogenetic location: 14q32.13.
Variant type: Deletion.
Coding change: c.1260_1262del on transcript NM_177438.3 (MANE Select); coding-DNA positions 1260 to 1262, 3 bases deleted (GGA; older notation c.1260_1262delGGA).
Protein change: p.Glu420del; deletes glutamic acid 420.
Molecular consequence: inframe deletion. On other transcripts: 5 prime UTR variant (1), non-coding transcript variant (6), inframe indel (1).
Genome position (GRCh38, 1-based): chr14:95,124,310-95,124,312, TCC deleted on the plus strand (GGA on the coding strand, the reverse complement: DICER1 is on the minus strand); deleting any 3 consecutive bases within chr14:95,124,310-95,124,314 gives the same sequence; the c. name uses the placement nearest the transcript's 3' end. VCF-style (leftmost placement, unchanged base first): chr14-95124309-ATCC-A. GRCh37 (hg19) VCF-style: chr14-95590646-ATCC-A.
Other names: c.1260_1262del, p.Glu420del (NM_001195573.1, NM_001271282.3, NM_001291628.2 and 14 more transcripts); c.978_980del, p.Glu326del (NM_001395686.1); c.855_857del, p.Glu285del (NM_001395687.1, NM_001395688.1, NM_001395689.1 and 3 more transcripts); c.693_695del, p.Glu231del (NM_001395691.1); c.-309_-307del (NM_001395697.1); c.1260_1262delGGA (NM_177438.2); short protein forms E231del, E285del, E326del, E420del.
Identifiers: ClinVar variation 3271983 (VCV003271983.1).

ClinVar aggregate classification (germline): Uncertain significance (1 of 4 stars; one submission).

Conditions:
Hereditary cancer-predisposing syndrome. Also called: Tumor predisposition; Hereditary Cancer Syndrome; Hereditary neoplastic syndrome; Neoplastic Syndromes, Hereditary. Identifiers: Orphanet 140162, MedGen C0027672, MeSH D009386, MONDO:0015356.

Submission:

Ambry Genetics
Classification: Uncertain significance for Hereditary cancer-predisposing syndrome. Last evaluated: 2024-04-10. Review status: criteria provided, single submitter. Criteria: Ambry Variant Classification Scheme 2023. Collection method: clinical testing. Allele origin: germline.
Comment: The c.1260_1262delGGA variant (also known as p.E420del) is located in coding exon 7 of the DICER1 gene. This variant results from an in-frame GGA deletion at nucleotide positions 1260 to 1262. This results in the in-frame deletion of a glutamic acid at codon 420. This amino acid position is not well conserved in available vertebrate species. In addition, this alteration is predicted to be neutral by in silico analysis (Choi Y et al. PLoS ONE. 2012; 7(10):e46688). Based on the available evidence, the clinical significance of this variant remains unclear.